The following is an entry in ClinVar:

ClinVar aggregate classification (germline): Uncertain significance (1 of 4 stars; one submission).

Allele frequency attached by ClinVar (database versions not stated): gnomAD exomes below 0.00001.
gnomAD v4.1: 1 of 1,612,944 alleles (0.000062%); highest among the groups gnomAD compares: Non-Finnish European, 0.000085%; no homozygotes.

Submission:

GeneDx
Classification: Uncertain significance. Last evaluated: 2022-09-27. Review status: criteria provided, single submitter. Criteria: GeneDx Variant Classification Process June 2021. Collection method: clinical testing. Allele origin: germline. Affected: yes.
Comment: Has not been previously published as pathogenic or benign to our knowledge; Not observed in large population cohorts (gnomAD); In silico analysis supports that this missense variant does not alter protein structure/function

NM_145068.4(TRPV3):c.67C>T (p.Pro23Ser)

Gene: TRPV3 (transient receptor potential cation channel subfamily V member 3; minus strand). Cytogenetic location: 17p13.2.
Variant type: single nucleotide variant.
Coding change: c.67C>T on transcript NM_145068.4 (MANE Select); coding-DNA position 67, C replaced by T.
Protein change: p.Pro23Ser; replaces proline 23 with serine.
Molecular consequence: missense variant.
Genome position (GRCh38, 1-based): chr17:3,554,784, G>A on the plus strand (C>T on the coding strand, the complement: TRPV3 is on the minus strand). VCF-style: chr17-3554784-G-A. GRCh37 (hg19) VCF-style: chr17-3458078-G-A.
Other names: c.67C>T, p.Pro23Ser (NM_001258205.2); short protein forms P23S.
Identifiers: ClinVar variation 1708815 (VCV001708815.2), dbSNP rs2543751904, ClinGen allele CA397691841.
Genomic context (GRCh38, chr17:3,554,784, plus strand): 5'-AAACCCACCTCTTCTTTGTGGGGGTGATCTCCGCCGGCCTCTTCTCTGGCAGGATGGCAG[G>A]GTTCCCACTGGGGGCAGCAACTCTCTTGCCCATGAGAGGCACCATCTCCTTGGGGTGGGC-3'
Protein context (NP_659505.1, residues 13-33): GKRVAAPSGN[Pro23Ser]AILPEKRPAE